The following is an entry in ClinVar:

ClinVar aggregate classification (germline): Uncertain significance (1 of 4 stars; one submission).

Conditions:
Ectodermal dysplasia and immunodeficiency 2. Identifiers: Orphanet 238468, Orphanet 98813, MedGen C2677481, MONDO:0012806, OMIM 612132.

Submission:

Labcorp Genetics (formerly Invitae), Labcorp
Classification: Uncertain significance for Ectodermal dysplasia and immunodeficiency 2. Last evaluated: 2024-08-28. Review status: criteria provided, single submitter. Criteria: Invitae Variant Classification Sherloc (09022015). Collection method: clinical testing. Allele origin: germline.
Comment: This sequence change replaces lysine, which is basic and polar, with asparagine, which is neutral and polar, at codon 238 of the NFKBIA protein (p.Lys238Asn). This variant is not present in population databases (gnomAD no frequency). This variant has not been reported in the literature in individuals affected with NFKBIA-related conditions. An algorithm developed to predict the effect of missense changes on protein structure and function (PolyPhen-2) suggests that this variant is likely to be tolerated. In summary, the available evidence is currently insufficient to determine the role of this variant in disease. Therefore, it has been classified as a Variant of Uncertain Significance.

NM_020529.3(NFKBIA):c.714G>C (p.Lys238Asn)

Gene: NFKBIA (NFKB inhibitor alpha; minus strand). Cytogenetic location: 14q13.2.
Variant type: single nucleotide variant.
Coding change: c.714G>C on transcript NM_020529.3 (MANE Select); coding-DNA position 714, G replaced by C.
Protein change: p.Lys238Asn; replaces lysine 238 with asparagine.
Molecular consequence: missense variant.
Genome position (GRCh38, 1-based): chr14:35,402,586, C>G on the plus strand (G>C on the coding strand, the complement: NFKBIA is on the minus strand). VCF-style: chr14-35402586-C-G. GRCh37 (hg19) VCF-style: chr14-35871792-C-G.
Other names: short protein forms K238N.
Identifiers: ClinVar variation 3672135 (VCV003672135.2).
Genomic context (GRCh38, chr14:35,402,586, plus strand): 5'-CCAGGTGAGCTGGTAGGGAGAATAGCCCTGGTAGGTAACTCTGTTGACATCAGCCCCACA[C>G]TTCAACAGGAGTGACACCAGGTCAGGATTTTGCAGGTCCACTGCGAGGTGAAGGGCAGTC-3'
Protein context (NP_065390.1, residues 228-248): QNPDLVSLLL[Lys238Asn]CGADVNRVTY